The following is an entry in ClinVar:

NM_000038.6(APC):c.940_942dup (p.Met314_Val315insMet)

Gene: APC (APC regulator of Wnt signaling pathway; plus strand). Cytogenetic location: 5q22.2.
Variant type: Duplication.
Coding change: c.940_942dup on transcript NM_000038.6 (MANE Select); coding-DNA positions 940 to 942, 3 bases duplicated (ATG; older notation c.940_942dupATG).
Protein change: p.Met314_Val315insMet.
Molecular consequence: intron variant (on NM_001407456.1). On other transcripts: non-coding transcript variant (2).
Genome position (GRCh38, 1-based): chr5:112,818,972-112,818,974, ATG duplicated. VCF-style (leftmost placement, unchanged base first): chr5-112818971-A-AATG. GRCh37 (hg19) VCF-style: chr5-112154668-A-AATG.
Other names: c.934-297_934-295dup (NM_001407456.1, NM_001407460.1, NM_001407457.1 and 5 more transcripts); c.850-297_850-295dup (NM_001407469.1, NM_001407467.1); c.964-297_964-295dup (NM_001354902.2); c.940_942dup, p.Met314_Val315insMet (NM_001127510.3, NM_001354895.2, NM_001354896.2 and 4 more transcripts); c.886_888dup, p.Met296_Val297insMet (NM_001127511.3); c.859-297_859-295dup (NM_001354904.2); c.970_972dup, p.Met324_Val325insMet (NM_001354897.2, NM_001407446.1); c.85-297_85-295dup (NM_001407471.1, NM_001407472.1); and 5 more.
Identifiers: ClinVar variation 3668593 (VCV003668593.2).

ClinVar aggregate classification (germline): Uncertain significance (1 of 4 stars; one submission).

Conditions:
Familial adenomatous polyposis 1 (FAP1). Also called: FAMILIAL ADENOMATOUS POLYPOSIS 1, ATTENUATED; POLYPOSIS, ADENOMATOUS INTESTINAL. Identifiers: MedGen C2713442, MONDO:0021056, OMIM 175100. Disease mechanism: loss of function.

Submission:

Labcorp Genetics (formerly Invitae), Labcorp
Classification: Uncertain significance for Familial adenomatous polyposis 1. Last evaluated: 2025-01-28. Review status: criteria provided, single submitter. Criteria: Invitae Variant Classification Sherloc (09022015). Collection method: clinical testing. Allele origin: germline.
Comment: This variant, c.940_942dup, results in the insertion of 1 amino acid(s) of the APC protein (p.Met314dup), but otherwise preserves the integrity of the reading frame. This variant is not present in population databases (gnomAD no frequency). This variant has not been reported in the literature in individuals affected with APC-related conditions. In summary, the available evidence is currently insufficient to determine the role of this variant in disease. Therefore, it has been classified as a Variant of Uncertain Significance.